The following continues an entry in ClinVar:

NM_206926.2(SELENON):c.611dup (p.Asn204fs)

Gene: SELENON. ClinVar aggregate classification (germline): Pathogenic. Pathogenic (18).

Submissions 15 to 20 of 20:

Breda Genetics srl
Classification: Pathogenic for Eichsfeld type congenital muscular dystrophy; Congenital myopathy 4A, autosomal dominant. Last evaluated: 2021-01-22. Review status: criteria provided, single submitter. Criteria: ACMG Guidelines, 2015. Collection method: clinical testing. Allele origin: inherited. Inheritance: Autosomal recessive inheritance. Affected: yes. Observed: 1 variant allele, 1 heterozygote.
Comment: The variant c.713dup (p.Asn238fs*62) in the SELENON gene is reported as a pathogenic for SELENON-related disorders in ClinVar (Variation ID: 4494) and as affecting function in the Global Variome shared LOVD v.3.0 database. The variant creates a shift in the reading frame, which is predicted to result in a premature stop codon 62 amino acids downstream, which is likely to result in a truncated protein or protein loss due to nonsense-mediated messenger decay (NMD). The variant was reported as pathogenic by Ferreiro et al., 2002 (PMID: 12192640) in two patients with multiminicore disease. In one patient the variant was in a state of homozygosity, in the other in compound heterozygosity with a missense mutation. In other studies (StehlÃ­kovÃ¡ et al., 2017, PMID: 27447704; Tajsharghi et al., 2005, PMID: 15792869) the variant was identified in a compound heterozygous state with another mutation in a court of patients with congenital myopathies. In Schara et al., 2008 (PMID: 17951086) the variant was identified in heterozygosity in two patients with myopathy with delayed motor acquisition, hypotonia and lack of head control. It should be noted that the authors could not identify a second mutation in the other allele in these patients, and argue that a large deletion of one or more exons in the gene could constitute the mutation not identified by the sequencing technique used. The variant is reported with an estimated allelic frequency of 0.0001565 in gnomAD exomes and 0.0001912 in gnomAD genomes, with no homozygous individuals reported.

Institute of Medical Genetics and Applied Genomics, University Hospital Tübingen
Classification: Pathogenic. Last evaluated: 2020-10-23. Review status: criteria provided, single submitter. Criteria: ACMG Guidelines, 2015. Collection method: clinical testing. Allele origin: germline. Inheritance: Autosomal unknown. Affected: yes.

Athena Diagnostics
Classification: Pathogenic. Last evaluated: 2017-04-26. Review status: criteria provided, single submitter. Criteria: Athena Diagnostics Criteria. Collection method: clinical testing. Allele origin: germline.

Eurofins Ntd Llc (ga)
Classification: Pathogenic. Last evaluated: 2015-04-15. Review status: criteria provided, single submitter. Criteria: EGL Classification Definitions. Collection method: clinical testing. Allele origin: germline. Observed: 1 variant allele, 1 heterozygote.

PreventionGenetics, part of Exact Sciences
Classification: Pathogenic for SELENON-related condition. Last evaluated: 2024-07-30. Review status: no assertion criteria provided. Collection method: clinical testing. Allele origin: germline. Not counted in ClinVar's aggregate classification.
Comment: The SELENON c.713dupA variant is predicted to result in a frameshift and premature protein termination (p.Asn238Lysfs*63). In the homozygous or compound heterozygous state, this variant is reported to be causative for rigid spine muscular dystrophy and multiminicore myopathy (Ferreiro et al. 2002. PubMed ID: 12192640; Tajsharghi et al. 2005. PubMed ID: 15792869). This variant is reported in 0.14% of alleles in individuals of Ashkenazi Jewish descent in gnomAD. Frameshift variants in SELENON are expected to be pathogenic. This variant is interpreted as pathogenic.

OMIM
Classification: Pathogenic for CONGENITAL MYOPATHY 3 WITH RIGID SPINE. Last evaluated: 2002-10-01. Review status: no assertion criteria provided. Collection method: literature only. Allele origin: germline. Not counted in ClinVar's aggregate classification.

Literature cited by the submitters: PubMed 21131290 (cited by Labcorp Genetics (formerly Invitae), Labcorp); PubMed 21670436 (cited by Labcorp Genetics (formerly Invitae), Labcorp); PubMed 12192640 (cited by 6 submitters); PubMed 15792869 (cited by Labcorp Genetics (formerly Invitae), Labcorp and Dasa); PubMed 17951086 (cited by 3 submitters); PubMed 27447704 (cited by 3 submitters); PubMed 32796131 (cited by Women's Health and Genetics/Laboratory Corporation of America, LabCorp and OMIM); PubMed 17204937 (cited by Women's Health and Genetics/Laboratory Corporation of America, LabCorp); PubMed 19067361 (cited by Broad Center for Mendelian Genomics, Broad Institute of MIT and Harvard and Athena Diagnostics); PubMed 30932294 (cited by AiLife Diagnostics); PubMed 30612914 (cited by AiLife Diagnostics); PubMed 31321302 (cited by AiLife Diagnostics); PubMed 31127727 (cited by AiLife Diagnostics); PubMed 19557870 (cited by Athena Diagnostics).